The following is an entry in ClinVar:

ClinVar aggregate classification (germline): Uncertain significance (1 of 4 stars; one submission).

Submission:

Labcorp Genetics (formerly Invitae), Labcorp
Classification: Uncertain significance. Last evaluated: 2023-04-09. Review status: criteria provided, single submitter. Criteria: Invitae Variant Classification Sherloc (09022015). Collection method: clinical testing. Allele origin: germline.
Comment: Experimental studies and prediction algorithms are not available or were not evaluated, and the functional significance of this variant is currently unknown. In summary, the available evidence is currently insufficient to determine the role of this variant in disease. Therefore, it has been classified as a Variant of Uncertain Significance. This variant has not been reported in the literature in individuals affected with CYFIP2-related conditions. This variant is not present in population databases (gnomAD no frequency). This sequence change replaces alanine, which is neutral and non-polar, with threonine, which is neutral and polar, at codon 880 of the CYFIP2 protein (p.Ala880Thr).

NM_001037333.3(CYFIP2):c.2638G>A (p.Ala880Thr)

Gene: CYFIP2 (cytoplasmic FMR1 interacting protein 2; plus strand). Cytogenetic location: 5q33.3.
Variant type: single nucleotide variant.
Coding change: c.2638G>A on transcript NM_001037333.3 (MANE Select); coding-DNA position 2638, G replaced by A.
Protein change: p.Ala880Thr; replaces alanine 880 with threonine.
Molecular consequence: missense variant.
Genome position (GRCh38, 1-based): chr5:157,341,122, G>A. VCF-style: chr5-157341122-G-A. GRCh37 (hg19) VCF-style: chr5-156768130-G-A.
Other names: c.2560G>A, p.Ala854Thr (NM_001291721.2); c.2713G>A, p.Ala905Thr (NM_001291722.2); c.2638G>A, p.Ala880Thr (NM_014376.4); short protein forms A905T, A854T, A880T.
Identifiers: ClinVar variation 2809816 (VCV002809816.3), dbSNP rs2532488854, ClinGen allele CA361972904.